The following is an entry in ClinVar:

NM_001164665.2(KIAA1549):c.5440G>C (p.Gly1814Arg)

Gene: KIAA1549 (KIAA1549; minus strand). Cytogenetic location: 7q34.
Variant type: single nucleotide variant.
Coding change: c.5440G>C on transcript NM_001164665.2 (MANE Select); coding-DNA position 5440, G replaced by C.
Protein change: p.Gly1814Arg; replaces glycine 1814 with arginine.
Molecular consequence: missense variant.
Genome position (GRCh38, 1-based): chr7:138,844,329, C>G on the plus strand (G>C on the coding strand, the complement: KIAA1549 is on the minus strand). VCF-style: chr7-138844329-C-G. GRCh37 (hg19) VCF-style: chr7-138529074-C-G.
Other names: c.5440G>C, p.Gly1814Arg (NM_020910.3); short protein forms G1814R.
Identifiers: ClinVar variation 857000 (VCV000857000.11), dbSNP rs747209602, ClinGen allele CA369388412.
Genomic context (GRCh38, chr7:138,844,329, plus strand): 5'-AGTAAATGTCCCGTAGCTCAGAAATGGAAGCTAAACAGCCACATATACCTGTGGTACCCC[C>G]GACAGGCCGAGGCCGGGCCACCGACGGCATCTCCTCCGAGTAGATCCCTCTGGCAGCAAA-3'
Protein context (NP_001158137.1, residues 1804-1824): MPSVARPRPV[Gly1814Arg]GTTGSQIQHL

ClinVar aggregate classification (germline): Uncertain significance (1 of 4 stars; one submission).

gnomAD v4.1: 3 of 1,613,928 alleles (0.00019%); highest among the groups gnomAD compares: Non-Finnish European, 0.00025%; no homozygotes.

Submission:

Labcorp Genetics (formerly Invitae), Labcorp
Classification: Uncertain significance. Last evaluated: 2022-06-13. Review status: criteria provided, single submitter. Criteria: Invitae Variant Classification Sherloc (09022015). Collection method: clinical testing. Allele origin: germline.
Comment: This sequence change replaces glycine, which is neutral and non-polar, with arginine, which is basic and polar, at codon 1814 of the KIAA1549 protein (p.Gly1814Arg). This variant is not present in population databases (gnomAD no frequency). This variant has not been reported in the literature in individuals affected with KIAA1549-related conditions. ClinVar contains an entry for this variant (Variation ID: 857000). Algorithms developed to predict the effect of missense changes on protein structure and function (SIFT, PolyPhen-2, Align-GVGD) all suggest that this variant is likely to be disruptive. In summary, the available evidence is currently insufficient to determine the role of this variant in disease. Therefore, it has been classified as a Variant of Uncertain Significance.